The following is an entry in ClinVar:

NM_005515.4(MNX1):c.616G>C (p.Gly206Arg)

Gene: MNX1 (motor neuron and pancreas homeobox 1; minus strand). Cytogenetic location: 7q36.3.
Variant type: single nucleotide variant.
Coding change: c.616G>C on transcript NM_005515.4 (MANE Select); coding-DNA position 616, G replaced by C.
Protein change: p.Gly206Arg; replaces glycine 206 with arginine.
Molecular consequence: missense variant.
Genome position (GRCh38, 1-based): chr7:157,009,735, C>G on the plus strand (G>C on the coding strand, the complement: MNX1 is on the minus strand). VCF-style: chr7-157009735-C-G. GRCh37 (hg19) VCF-style: chr7-156802429-C-G.
Other names: short protein forms G206R.
Identifiers: ClinVar variation 3688719 (VCV003688719.2).

ClinVar aggregate classification (germline): Uncertain significance (1 of 4 stars; one submission).

Submission:

Labcorp Genetics (formerly Invitae), Labcorp
Classification: Uncertain significance. Last evaluated: 2024-11-02. Review status: criteria provided, single submitter. Criteria: Invitae Variant Classification Sherloc (09022015). Collection method: clinical testing. Allele origin: germline.
Comment: This sequence change replaces glycine, which is neutral and non-polar, with arginine, which is basic and polar, at codon 206 of the MNX1 protein (p.Gly206Arg). This variant is not present in population databases (gnomAD no frequency). This variant has not been reported in the literature in individuals affected with MNX1-related conditions. Invitae Evidence Modeling of protein sequence and biophysical properties (such as structural, functional, and spatial information, amino acid conservation, physicochemical variation, residue mobility, and thermodynamic stability) indicates that this missense variant is expected to disrupt MNX1 protein function with a positive predictive value of 80%. In summary, the available evidence is currently insufficient to determine the role of this variant in disease. Therefore, it has been classified as a Variant of Uncertain Significance.